The following is an entry in ClinVar:

NM_002473.6(MYH9):c.18C>T (p.Ala6=)

Gene: MYH9 (myosin heavy chain 9; minus strand). Cytogenetic location: 22q12.3.
Variant type: single nucleotide variant.
Coding change: c.18C>T on transcript NM_002473.6 (MANE Select); coding-DNA position 18, C replaced by T.
Protein change: p.Ala6=; no amino-acid change (alanine 6 retained).
Molecular consequence: synonymous variant.
Genome position (GRCh38, 1-based): chr22:36,349,219, G>A on the plus strand (C>T on the coding strand, the complement: MYH9 is on the minus strand). VCF-style: chr22-36349219-G-A. GRCh37 (hg19) VCF-style: chr22-36745264-G-A.
Identifiers: ClinVar variation 226751 (VCV000226751.21), dbSNP rs141055332, ClinGen allele CA10210741.

ClinVar aggregate classification (germline): Benign/Likely benign. Review status: criteria provided, multiple submitters, no conflicts (2 of 4 stars). 7 submissions from 6 submitters: Benign (5); Likely benign (1). 1 of the submissions does not count toward it. Last evaluated 2026-01-23.

Conditions:
MYH9-related disorder. Identifiers: MedGen C1854520.
Autosomal dominant nonsyndromic hearing loss 17. Also called: Autosomal dominant nonsyndromic deafness 17; Deafness, autosomal dominant 17. Identifiers: Orphanet 90635, MedGen C1863659, MONDO:0011350, OMIM 603622.

Allele frequency attached by ClinVar (database versions not stated): gnomAD 0.00021 and 0.00034; gnomAD exomes 0.00032 and 0.00085; TOPMed 0.00048; ExAC 0.00081; 1000 Genomes Project 30x 0.00156; 1000 Genomes Project 0.00200.
gnomAD v4.1: 512 of 1,614,092 alleles (0.032%); highest among the groups gnomAD compares: East Asian, 1.1%; 1 homozygote.

Submissions (7):

Labcorp Genetics (formerly Invitae), Labcorp
Classification: Benign. Last evaluated: 2026-01-23. Review status: criteria provided, single submitter. Criteria: Invitae Variant Classification Sherloc (09022015). Collection method: clinical testing. Allele origin: germline.

Blueprint Genetics
Classification: Likely benign. Last evaluated: 2024-06-25. Review status: criteria provided, single submitter. Criteria: ACMG Guidelines, 2015. Collection method: clinical testing. Allele origin: germline.

GeneDx
Classification: Benign. Last evaluated: 2020-03-05. Review status: criteria provided, single submitter. Criteria: GeneDx Variant Classification Process June 2021. Collection method: clinical testing. Allele origin: germline. Affected: yes.

Illumina Laboratory Services, Illumina
Classification: Benign for Autosomal dominant nonsyndromic hearing loss 17. Last evaluated: 2018-01-13. Review status: criteria provided, single submitter. Criteria: ICSL Variant Classification Criteria 13 December 2019. Collection method: clinical testing. Allele origin: germline.
Comment: This variant was observed in the ICSL laboratory as part of a predisposition screen in an ostensibly healthy population. It had not been previously curated by ICSL or reported in the Human Gene Mutation Database (HGMD: prior to June 1st, 2018), and was therefore a candidate for classification through an automated scoring system. Utilizing variant allele frequency, disease prevalence and penetrance estimates, and inheritance mode, an automated score was calculated to assess if this variant is too frequent to cause the disease. Based on the score and internal cut-off values, a variant classified as benign is not then subjected to further curation. The score for this variant resulted in a classification of benign for this disease.

Illumina Laboratory Services, Illumina
Classification: Benign for MYH9-related disorder. Last evaluated: 2018-01-13. Review status: criteria provided, single submitter. Criteria: ICSL Variant Classification Criteria 13 December 2019. Collection method: clinical testing. Allele origin: germline.
Comment: the same text as in the submission from Illumina Laboratory Services, Illumina above.

Laboratory for Molecular Medicine, Mass General Brigham Personalized Medicine
Classification: Benign. Last evaluated: 2015-01-21. Review status: criteria provided, single submitter. Criteria: LMM Criteria. Collection method: clinical testing. Allele origin: germline. Observed: 2 variant alleles.
Comment: p.Ala6Ala in c.18C>T of MYH9: This variant is not expected to have clinical sign ificance because it does not alter an amino acid residue and is not located with in the splice consensus sequence. It has been identified in 1.10% (96/8726) of E ast Asian chromosomes by the Exome Aggregation Consortium (ExAC; dbSNP rs141055332).

PreventionGenetics, part of Exact Sciences
Classification: Benign for MYH9-related condition. Last evaluated: 2019-04-30. Review status: no assertion criteria provided. Collection method: clinical testing. Allele origin: germline. Not counted in ClinVar's aggregate classification.
Comment: This variant is classified as benign based on ACMG/AMP sequence variant interpretation guidelines (Richards et al. 2015 PMID: 25741868, with internal and published modifications).